The following is an entry in ClinVar:

NM_005334.3(HCFC1):c.1722C>T (p.Thr574=)

Gene: HCFC1 (host cell factor C1; minus strand). Cytogenetic location: Xq28.
Variant type: single nucleotide variant.
Coding change: c.1722C>T on transcript NM_005334.3 (MANE Select); coding-DNA position 1722, C replaced by T.
Protein change: p.Thr574=; no amino-acid change (threonine 574 retained).
Molecular consequence: synonymous variant.
Genome position (GRCh38, 1-based): chrX:153,958,650, G>A on the plus strand (C>T on the coding strand, the complement: HCFC1 is on the minus strand). VCF-style: chrX-153958650-G-A. GRCh37 (hg19) VCF-style: chrX-153224101-G-A.
Identifiers: ClinVar variation 512141 (VCV000512141.12), dbSNP rs199916332, ClinGen allele CA10557458.

ClinVar aggregate classification (germline): Likely benign. Review status: criteria provided, multiple submitters, no conflicts (2 of 4 stars). 3 submissions from 3 submitters: Likely benign (2). 1 of the submissions does not count toward it. Last evaluated 2025-12-23.

Conditions:
HCFC1-related disorder. Also called: HCFC1-related condition.
Methylmalonic acidemia with homocystinuria, type cblX (MAHCX). Also called: INTELLECTUAL DEVELOPMENTAL DISORDER, X-LINKED 3. Identifiers: Orphanet 369962, MedGen C0796208, MONDO:0010657, OMIM 309541.

Allele frequency attached by ClinVar (database versions not stated): gnomAD exomes 0.00001 and 0.00002; ExAC 0.00004; gnomAD 0.00014 and 0.00015; TOPMed 0.00042; 1000 Genomes Project 30x 0.00062; 1000 Genomes Project 0.00079.
gnomAD v4.1: 34 of 1,206,386 alleles (0.0028%); highest among the groups gnomAD compares: Admixed American, 0.057%; no homozygotes.

Submissions (3):

Labcorp Genetics (formerly Invitae), Labcorp
Classification: Likely benign for Methylmalonic acidemia with homocystinuria, type cblX. Last evaluated: 2025-12-23. Review status: criteria provided, single submitter. Criteria: Invitae Variant Classification Sherloc (09022015). Collection method: clinical testing. Allele origin: germline.

GeneDx
Classification: Likely benign. Last evaluated: 2017-10-05. Review status: criteria provided, single submitter. Criteria: GeneDx Variant Classification (06012015). Collection method: clinical testing. Allele origin: germline. Affected: yes.
Comment: This variant is considered likely benign or benign based on one or more of the following criteria: it is a conservative change, it occurs at a poorly conserved position in the protein, it is predicted to be benign by multiple in silico algorithms, and/or has population frequency not consistent with disease.

PreventionGenetics, part of Exact Sciences
Classification: Likely benign for HCFC1-related condition. Last evaluated: 2020-03-06. Review status: no assertion criteria provided. Collection method: clinical testing. Allele origin: germline. Not counted in ClinVar's aggregate classification.
Comment: This variant is classified as likely benign based on ACMG/AMP sequence variant interpretation guidelines (Richards et al. 2015 PMID: 25741868, with internal and published modifications).